The following is an entry in ClinVar:

NM_001868.4(CPA1):c.828C>A (p.His276Gln)

Gene: CPA1 (carboxypeptidase A1; plus strand). Cytogenetic location: 7q32.2.
Variant type: single nucleotide variant.
Coding change: c.828C>A on transcript NM_001868.4 (MANE Select); coding-DNA position 828, C replaced by A.
Protein change: p.His276Gln; replaces histidine 276 with glutamine.
Molecular consequence: missense variant.
Genome position (GRCh38, 1-based): chr7:130,385,186, C>A. VCF-style: chr7-130385186-C-A. GRCh37 (hg19) VCF-style: chr7-130025027-C-A.
Other names: short protein forms H276Q.
Identifiers: ClinVar variation 4006042 (VCV004006042.1).

ClinVar aggregate classification (germline): Uncertain significance (1 of 4 stars; one submission).

Conditions:
Hereditary pancreatitis (PCTT). Also called: Hereditary chronic pancreatitis; PRSS1-Related Hereditary Pancreatitis. Identifiers: Orphanet 676, MedGen C0238339, MONDO:0008185, OMIM 167800.

gnomAD v4.1: 2 of 1,614,098 alleles (0.00012%); highest among the groups gnomAD compares: African/African-American, 0.0027%; no homozygotes.

Submission:

Ambry Genetics
Classification: Uncertain significance for Hereditary pancreatitis. Last evaluated: 2025-06-05. Review status: criteria provided, single submitter. Criteria: Ambry Variant Classification Scheme 2023. Collection method: clinical testing. Allele origin: germline.
Comment: The p.H276Q variant (also known as c.828C>A), located in coding exon 8 of the CPA1 gene, results from a C to A substitution at nucleotide position 828. The histidine at codon 276 is replaced by glutamine, an amino acid with highly similar properties. This amino acid position is conserved. In addition, this alteration is predicted to be tolerated by in silico analysis. Based on the available evidence, the clinical significance of this variant remains unclear.